The following is an entry in ClinVar:

ClinVar aggregate classification (germline): Uncertain significance. Review status: criteria provided, multiple submitters, no conflicts (2 of 4 stars). 2 submissions from 2 submitters: Uncertain significance (2). Last evaluated 2024-02-09.

Conditions:
Nephrolithiasis/nephrocalcinosis. Identifiers: MedGen CN580796.
Familial hypocalciuric hypercalcemia (FHH). Also called: Familial benign hypercalcemia. Identifiers: Orphanet 405, MedGen C1809471, MONDO:0018458.
Autosomal dominant hypocalcemia 1 (HYPOC1). Also called: HYPOCALCEMIA, FAMILIAL. Identifiers: MedGen C3715128, MONDO:0011013, OMIM 601198.

gnomAD v4.1: 1 of 1,614,104 alleles (0.000062%); highest among the groups gnomAD compares: Non-Finnish European, 0.000085%; no homozygotes.

Submissions (2):

Labcorp Genetics (formerly Invitae), Labcorp
Classification: Uncertain significance for Familial hypocalciuric hypercalcemia; Autosomal dominant hypocalcemia 1. Last evaluated: 2024-02-09. Review status: criteria provided, single submitter. Criteria: Invitae Variant Classification Sherloc (09022015). Collection method: clinical testing. Allele origin: germline.
Comment: This sequence change replaces aspartic acid, which is acidic and polar, with valine, which is neutral and non-polar, at codon 398 of the CASR protein (p.Asp398Val). This variant is not present in population databases (gnomAD no frequency). This variant has not been reported in the literature in individuals affected with CASR-related conditions. ClinVar contains an entry for this variant (Variation ID: 2148631). An algorithm developed to predict the effect of missense changes on protein structure and function (PolyPhen-2) suggests that this variant is likely to be tolerated. In summary, the available evidence is currently insufficient to determine the role of this variant in disease. Therefore, it has been classified as a Variant of Uncertain Significance.

Ambry Genetics
Classification: Uncertain significance for Nephrolithiasis/nephrocalcinosis. Last evaluated: 2022-11-17. Review status: criteria provided, single submitter. Criteria: Ambry Variant Classification Scheme 2023. Collection method: clinical testing. Allele origin: germline.
Comment: The p.D398V variant (also known as c.1193A>T), located in coding exon 3 of the CASR gene, results from an A to T substitution at nucleotide position 1193. The aspartic acid at codon 398 is replaced by valine, an amino acid with highly dissimilar properties. This amino acid position is conserved. In addition, the in silico prediction for this alteration is inconclusive. Since supporting evidence is limited at this time, the clinical significance of this alteration remains unclear.

NM_000388.4(CASR):c.1193A>T (p.Asp398Val)

Gene: CASR (calcium sensing receptor; plus strand). Cytogenetic location: 3q21.1.
Variant type: single nucleotide variant.
Coding change: c.1193A>T on transcript NM_000388.4 (MANE Select); coding-DNA position 1193, A replaced by T.
Protein change: p.Asp398Val; replaces aspartic acid 398 with valine.
Molecular consequence: missense variant.
Genome position (GRCh38, 1-based): chr3:122,262,228, A>T. VCF-style: chr3-122262228-A-T. GRCh37 (hg19) VCF-style: chr3-121981075-A-T.
Other names: c.1193A>T, p.Asp398Val (NM_001178065.2); c.1193A>T (NM_000388.3); short protein forms D398V.
Identifiers: ClinVar variation 2148631 (VCV002148631.6), dbSNP rs202101164, ClinGen allele CA354152787.